The following is an entry in ClinVar:

NM_000553.6(WRN):c.50A>G (p.Glu17Gly)

Gene: WRN (WRN RecQ like helicase; plus strand). Cytogenetic location: 8p12.
Variant type: single nucleotide variant.
Coding change: c.50A>G on transcript NM_000553.6 (MANE Select); coding-DNA position 50, A replaced by G.
Protein change: p.Glu17Gly; replaces glutamic acid 17 with glycine.
Molecular consequence: missense variant.
Genome position (GRCh38, 1-based): chr8:31,058,497, A>G. VCF-style: chr8-31058497-A-G. GRCh37 (hg19) VCF-style: chr8-30916013-A-G.
Other names: short protein forms E17G.
Identifiers: ClinVar variation 3658843 (VCV003658843.2).

ClinVar aggregate classification (germline): Uncertain significance (1 of 4 stars; one submission).

Conditions:
Werner syndrome (WRN). Identifiers: Orphanet 902, MedGen C0043119, MONDO:0010196, OMIM 277700.

Submission:

Labcorp Genetics (formerly Invitae), Labcorp
Classification: Uncertain significance for Werner syndrome. Last evaluated: 2024-07-06. Review status: criteria provided, single submitter. Criteria: Invitae Variant Classification Sherloc (09022015). Collection method: clinical testing. Allele origin: germline.
Comment: This sequence change replaces glutamic acid, which is acidic and polar, with glycine, which is neutral and non-polar, at codon 17 of the WRN protein (p.Glu17Gly). This variant is not present in population databases (gnomAD no frequency). This variant has not been reported in the literature in individuals affected with WRN-related conditions. Algorithms developed to predict the effect of missense changes on protein structure and function output the following: SIFT: "Not Available"; PolyPhen-2: "Benign"; Align-GVGD: "Not Available". The glycine amino acid residue is found in multiple mammalian species, which suggests that this missense change does not adversely affect protein function. In summary, the available evidence is currently insufficient to determine the role of this variant in disease. Therefore, it has been classified as a Variant of Uncertain Significance.